The following is an entry in ClinVar:

NM_005633.4(SOS1):c.1310T>C (p.Ile437Thr)

Gene: SOS1 (SOS Ras/Rac guanine nucleotide exchange factor 1; minus strand). Cytogenetic location: 2p22.1.
Variant type: single nucleotide variant.
Coding change: c.1310T>C on transcript NM_005633.4 (MANE Select); coding-DNA position 1310, T replaced by C.
Protein change: p.Ile437Thr; replaces isoleucine 437 with threonine.
Molecular consequence: missense variant.
Genome position (GRCh38, 1-based): chr2:39,023,118, A>G on the plus strand (T>C on the coding strand, the complement: SOS1 is on the minus strand). VCF-style: chr2-39023118-A-G. GRCh37 (hg19) VCF-style: chr2-39250259-A-G.
Other names: p.I437T:ATT>ACT; c.1289T>C, p.Ile430Thr (NM_001382394.1); c.1310T>C, p.Ile437Thr (NM_001382395.1); short protein forms I437T, I430T.
Identifiers: ClinVar variation 45345 (VCV000045345.62), dbSNP rs397517150, ClinGen allele CA261719.

ClinVar aggregate classification (germline): Pathogenic/Likely pathogenic. Review status: criteria provided, multiple submitters, no conflicts (2 of 4 stars). 19 submissions from 19 submitters: Pathogenic (15); Likely pathogenic (3). 1 of the submissions does not count toward it. Last evaluated 2026-03-18.

Conditions:
SOS1-related disorder. Also called: SOS1-related condition.
Male subfertility.
Noonan syndrome and Noonan-related syndrome. Identifiers: Orphanet 98733, MedGen C5681679, MONDO:0020297.
Cardiovascular phenotype. Identifiers: MedGen CN230736.
Fibromatosis, gingival, 1 (GINGF1). Identifiers: Orphanet 2024, MedGen C4551558, MONDO:0007609, OMIM 135300.
Noonan syndrome 4 (NS4). Also called: NOONAN SYNDROME WITH PIGMENTED VILLONODULAR SYNOVITIS; SOS1-Related Noonan Syndrome. Identifiers: Orphanet 648, MedGen C1853120, MONDO:0012547, OMIM 610733.
RASopathy. Also called: rasopathies; Noonan spectrum disorder. Identifiers: Orphanet 536391, MedGen C5555857, MONDO:0021060.
Noonan syndrome (NS). Also called: Noonan's syndrome. Identifiers: Orphanet 648, MedGen C0028326, MeSH D009634, MONDO:0018997. Disease mechanism: gain of function.

Allele frequency attached by ClinVar (database versions not stated): TOPMed below 0.00001.
gnomAD v4.1: 2 of 1,613,456 alleles (0.00012%); highest among the groups gnomAD compares: Non-Finnish European, 0.00017%; no homozygotes.

Submissions 1 to 10 of 19:

PreventionGenetics, part of Exact Sciences
Classification: Pathogenic for SOS1-related condition. Last evaluated: 2026-03-18. Review status: criteria provided, single submitter. Criteria: ACMG Guidelines, 2015. Collection method: clinical testing. Allele origin: germline.
Comment: The SOS1 c.1310T>C variant is predicted to result in the amino acid substitution p.Ile437Thr. This is a recurrent de novo variant reported in individuals with Noonan syndrome (Lepri et al. 2011. PubMed ID: 21387466, Table 1; Yang et al. 2018. PubMed ID: 30541462, Table 3; Ferriero et al. 2020. PubMed ID: 33042901, Table 1). It has also been reported de novo in an individual with a neurodevelopmental presentation (Turner et al. 2019. PubMed ID: 31785789, Table S2, referred to as Chr2:39250259A>G). This variant has not been reported in a large population database (gnomAD), indicating this variant is rare. Many laboratories have reported this variant as pathogenic in ClinVar (Variation ID: 453455). This variant is interpreted as pathogenic.

Dasa
Classification: Pathogenic. Last evaluated: 2026-01-22. Review status: criteria provided, single submitter. Criteria: DASA Assertion Criteria. Collection method: clinical testing. Allele origin: germline.
Comment: NM_005633.4(SOS1):c.1310T>C (p.Ile437Thr) is a missense variant that results in the substitution of isoleucine with threonine. The affected residue or protein region has prior evidence supporting clinical relevance. De novo occurrence has been reported in an individual with related phenotype. Functional evidence supports a deleterious effect on the gene or gene product (PMID: 21387466; PMID: 24803665; PMID: 30541462; PMID: 30039904; PMID: 24451042). This variant has been recurrently observed in individuals with related phenotype (PMID: 21387466; PMID: 24803665; PMID: 30541462; PMID: 30039904; PMID: 24451042). Multiple computational predictions support a deleterious effect on the gene or gene product. The variant is present at low frequency in population datasets. Based on the available data, this variant is classified as pathogenic.

Victorian Clinical Genetics Services, Murdoch Childrens Research Institute
Classification: Pathogenic for Noonan syndrome 4. Last evaluated: 2025-09-29. Review status: criteria provided, single submitter. Criteria: ACMG Guidelines, 2015. Collection method: clinical testing. Allele origin: germline. Affected: yes.
Comment: This variant is classified as Pathogenic. Evidence in support of pathogenic classification: Variant is present in gnomAD <0.001 for a dominant condition (v4: 2 heterozygote(s), 0 homozygote(s)); This variant has strong previous evidence of pathogenicity in unrelated individuals. This variant has been classified as pathogenic or likely pathogenic by many clinical laboratories in ClinVar; Variant is located in a hotspot region or cluster of PATHOGENIC variants (DECIPHER); Missense variant predicted to be damaging by in silico tool(s) or highly conserved with a major amino acid change; Additional information: Variant is predicted to result in a missense amino acid change from Ile to Thr; This variant is heterozygous; This gene is associated with autosomal dominant disease; Alternative amino acid change(s) at the same position are present in gnomAD (v4: 1 heterozygote(s), 0 homozygote(s)); Gain of function is a known mechanism of disease in this gene and is associated with Noonan syndrome 4 (MIM#610733) (PMID: 17143285).

Labcorp Genetics (formerly Invitae), Labcorp
Classification: Pathogenic for RASopathy. Last evaluated: 2025-09-24. Review status: criteria provided, single submitter. Criteria: Invitae Variant Classification Sherloc (09022015). Collection method: clinical testing. Allele origin: germline.
Comment: This sequence change replaces isoleucine, which is neutral and non-polar, with threonine, which is neutral and polar, at codon 437 of the SOS1 protein (p.Ile437Thr). This variant is not present in population databases (gnomAD no frequency). This missense change has been observed in individual(s) with clinical features of Noonan syndrome (PMID: 21387466, 24451042). In at least one individual the variant was observed to be de novo. ClinVar contains an entry for this variant (Variation ID: 45345). Invitae Evidence Modeling of protein sequence and biophysical properties (such as structural, functional, and spatial information, amino acid conservation, physicochemical variation, residue mobility, and thermodynamic stability) indicates that this missense variant is expected to disrupt SOS1 protein function with a positive predictive value of 95%. For these reasons, this variant has been classified as Pathogenic.

CeGaT Center for Human Genetics Tuebingen
Classification: Pathogenic. Last evaluated: 2025-07-01. Review status: criteria provided, single submitter. Criteria: CeGaT Center For Human Genetics Tuebingen Variant Classification Criteria Version 2. Collection method: clinical testing. Allele origin: germline. Affected: yes. Observed: 3 variant alleles.
Comment: SOS1: PM6:Strong, PM1, PS4:Moderate, PM2:Supporting, PP3

3billion
Classification: Pathogenic for Noonan syndrome 4. Last evaluated: 2024-09-04. Review status: criteria provided, single submitter. Criteria: ACMG Guidelines, 2015. Collection method: clinical testing. Allele origin: germline. Affected: yes.
Comment: The variant is observed at an extremely low frequency in the gnomAD v4.0.0 dataset (total allele frequency: <0.001%). Predicted Consequence/Location: The variant is located in a mutational hot spot and/or well-established functional domain in which established pathogenic variants have been reported (PMID: 29493581). Missense changes are a common disease-causing mechanism. In silico tool predictions suggest damaging effect of the variant on gene or gene product [REVEL: 0.92 (>=0.6, sensitivity 0.68 and specificity 0.92); 3Cnet: 0.99 (>=0.6, sensitivity 0.72 and precision 0.9)]. The same nucleotide change resulting in the same amino acid change has been previously reported as pathogenic/likely pathogenic with strong evidence (ClinVar ID: VCV000045345 /PMID: 21387466). Different missense changes at the same codon (p.Ile437Asn, p.Ile437Ser) have been reported as pathogenic/likely pathogenic with strong evidence (ClinVar ID: VCV000181551, VCV001066783 /PMID: 24451042). Therefore, this variant is classified as Pathogenic according to the recommendation of ACMG/AMP guideline.

Fulgent Genetics
Classification: Pathogenic for Fibromatosis, gingival, 1; Noonan syndrome 4. Last evaluated: 2024-03-27. Review status: criteria provided, single submitter. Criteria: ACMG Guidelines, 2015. Collection method: clinical testing. Allele origin: germline.

Laan Lab, Human Genetics Research Group, University of Tartu
Classification: Likely pathogenic for Male subfertility. Last evaluated: 2023-12-01. Review status: criteria provided, single submitter. Criteria: Gelb et al. (Genet Med. 2018). Collection method: research. Allele origin: germline. Inheritance: Autosomal dominant inheritance. Affected: yes. Observed: 1 variant allele, 1 heterozygote.
Comment: The main focus of the current study was analyzing men with spermatogenic failure.

Women's Health and Genetics/Laboratory Corporation of America, LabCorp
Classification: Pathogenic for RASopathy. Last evaluated: 2023-11-13. Review status: criteria provided, single submitter. Criteria: LabCorp Variant Classification Summary - May 2015. Collection method: clinical testing. Allele origin: germline.
Comment: Variant summary: SOS1 c.1310T>C (p.Ile437Thr) results in a non-conservative amino acid change located in the plekstrin homology domain of the encoded protein sequence. Five of five in-silico tools predict a damaging effect of the variant on protein function. The variant was absent in 250826 control chromosomes.The variant was absent in 245614 control chromosomes (gnomAD). The variant, c.1310T>C, has been reported in the literature in individuals affected with Noonan Syndrome and Related Conditions, and in at least one case was reported as a de novo mutation (Lepri_2011, Prasad_2018). Additionally, a different variant at the same codon has been classified as pathogenic/likely pathogenic in ClinVar (p.Ile437Ser). To our knowledge, no experimental evidence demonstrating an impact on protein function has been reported. The following publications have been ascertained in the context of this evaluation (PMID: 21387466, 22585553, 30039904). Eight submitters have cited clinical-significance assessments for this variant to ClinVar after 2014. All submitters classified the variant as pathogenic/likely pathogenic. Based on the evidence outlined above, the variant was classified as pathogenic.

GeneDx
Classification: Pathogenic. Last evaluated: 2022-04-26. Review status: criteria provided, single submitter. Criteria: GeneDx Variant Classification Process June 2021. Collection method: clinical testing. Allele origin: germline. Affected: yes.
Comment: In silico analysis supports that this missense variant has a deleterious effect on protein structure/function; Not observed in large population cohorts (gnomAD); Missense variants in this gene are often considered pathogenic (HGMD); This variant is associated with the following publications: (PMID: 24803665, 30541462, 30039904, 24451042, 21387466, 33042901, 20648242, 29493581, 17143282, 12628188, 31785789)